The following is an entry in ClinVar:

ClinVar aggregate classification (germline): Pathogenic (1 of 4 stars; one submission).

Submission:

Labcorp Genetics (formerly Invitae), Labcorp
Classification: Pathogenic. Last evaluated: 2022-04-11. Review status: criteria provided, single submitter. Criteria: Invitae Variant Classification Sherloc (09022015). Collection method: clinical testing. Allele origin: germline.
Comment: For these reasons, this variant has been classified as Pathogenic. This variant has not been reported in the literature in individuals affected with LRPPRC-related conditions. This variant is not present in population databases (gnomAD no frequency). This sequence change creates a premature translational stop signal (p.Tyr270*) in the LRPPRC gene. It is expected to result in an absent or disrupted protein product. Loss-of-function variants in LRPPRC are known to be pathogenic (PMID: 26510951).

Literature cited by the submitters: PubMed 26510951.

NM_133259.4(LRPPRC):c.810C>G (p.Tyr270Ter)

Gene: LRPPRC (leucine rich pentatricopeptide repeat containing; minus strand). Cytogenetic location: 2p21.
Variant type: single nucleotide variant.
Coding change: c.810C>G on transcript NM_133259.4 (MANE Select); coding-DNA position 810, C replaced by G.
Protein change: p.Tyr270Ter; replaces tyrosine 270 with a stop codon.
Molecular consequence: nonsense.
Genome position (GRCh38, 1-based): chr2:43,975,145, G>C on the plus strand (C>G on the coding strand, the complement: LRPPRC is on the minus strand). VCF-style: chr2-43975145-G-C. GRCh37 (hg19) VCF-style: chr2-44202284-G-C.
Other names: short protein forms Y270*.
Identifiers: ClinVar variation 2121237 (VCV002121237.4), dbSNP rs867969236, ClinGen allele CA346674108.